The following is an entry in ClinVar:

NM_001351132.2(PEX5):c.966+1G>C

Gene: PEX5 (peroxisomal biogenesis factor 5; plus strand). Cytogenetic location: 12p13.31.
Variant type: single nucleotide variant.
Coding change: c.966+1G>C on transcript NM_001351132.2 (MANE Select); the canonical splice donor site of the intron after coding-DNA position 966, G replaced by C.
Molecular consequence: splice donor variant.
Genome position (GRCh38, 1-based): chr12:7,203,552, G>C. VCF-style: chr12-7203552-G-C. GRCh37 (hg19) VCF-style: chr12-7356148-G-C.
Other names: c.855+1G>C (NM_001351124.3, NM_001351126.2, NM_001374646.1 and 7 more transcripts); c.966+1G>C (NM_001131026.2, NM_001351131.2, NM_001374647.2 and 5 more transcripts); c.831+1G>C (NM_001374649.2, NM_001351140.2, NM_001351139.2); c.900+1G>C (NM_001351135.3, NM_001351138.2); c.1011+1G>C (NM_001131023.2); c.942+1G>C (NM_000319.5).
Identifiers: ClinVar variation 1480195 (VCV001480195.8), dbSNP rs2136176386, ClinGen allele CA383727513.

ClinVar aggregate classification (germline): Likely pathogenic (1 of 4 stars; one submission).

Conditions:
Peroxisome biogenesis disorder 2B (PBD2B). Identifiers: Orphanet 44, MedGen C3550234, MONDO:0008736, OMIM 202370.

Allele frequency attached by ClinVar (database versions not stated): gnomAD exomes 0.00002.
gnomAD v4.1: 23 of 1,613,400 alleles (0.0014%); highest among the groups gnomAD compares: Non-Finnish European, 0.0019%; no homozygotes.

Submission:

Labcorp Genetics (formerly Invitae), Labcorp
Classification: Likely pathogenic for Peroxisome biogenesis disorder 2B. Last evaluated: 2022-02-10. Review status: criteria provided, single submitter. Criteria: Invitae Variant Classification Sherloc (09022015). Collection method: clinical testing. Allele origin: germline.
Comment: In summary, the currently available evidence indicates that the variant is pathogenic, but additional data are needed to prove that conclusively. Therefore, this variant has been classified as Likely Pathogenic. Algorithms developed to predict the effect of sequence changes on RNA splicing suggest that this variant may disrupt the consensus splice site. This variant has not been reported in the literature in individuals affected with PEX5-related conditions. This variant is not present in population databases (gnomAD no frequency). This sequence change affects a donor splice site in intron 10 of the PEX5 gene. It is expected to disrupt RNA splicing. Variants that disrupt the donor or acceptor splice site typically lead to a loss of protein function (PMID: 16199547), and loss-of-function variants in PEX5 are known to be pathogenic (PMID: 18712838, 21031596).

Literature cited by the submitters: PubMed 16199547; PubMed 18712838; PubMed 21031596.